The following is an entry in ClinVar:

NM_015915.5(ATL1):c.1189G>C (p.Glu397Gln)

Gene: ATL1 (atlastin GTPase 1; plus strand). Cytogenetic location: 14q22.1.
Variant type: single nucleotide variant.
Coding change: c.1189G>C on transcript NM_015915.5 (MANE Select); coding-DNA position 1189, G replaced by C.
Protein change: p.Glu397Gln; replaces glutamic acid 397 with glutamine.
Molecular consequence: missense variant.
Genome position (GRCh38, 1-based): chr14:50,628,100, G>C. VCF-style: chr14-50628100-G-C. GRCh37 (hg19) VCF-style: chr14-51094818-G-C.
Other names: c.1189G>C, p.Glu397Gln (NM_001127713.1, NM_181598.4); short protein forms E397Q.
Identifiers: ClinVar variation 538576 (VCV000538576.8), dbSNP rs148203226, ClinGen allele CA389675630.
Genomic context (GRCh38, chr14:50,628,100, plus strand): 5'-GGTGACAAACCATTTCTGGCCCCAAATGACTTGCAGACCAAACACCTGCAACTTAAGGAA[G>C]AATCTGTGAAGCTATTCCGAGGGGTGAAGAAGATGGGTGGGGAAGAATTTAGCCGGCGTT-3'
Protein context (NP_056999.2, residues 387-407): LQTKHLQLKE[Glu397Gln]SVKLFRGVKK

ClinVar aggregate classification (germline): Uncertain significance (1 of 4 stars; one submission).

Conditions:
Hereditary spastic paraplegia 3A (SPG3A). Also called: SPASTIC PARAPLEGIA 3, AUTOSOMAL DOMINANT; FAMILIAL SPASTIC PARAPLEGIA, AUTOSOMAL DOMINANT, 1; SPG3; STRUMPELL DISEASE; Spastic Paraplegia 3A; Spastic paraplegia 3A, autosomal dominant. Identifiers: Orphanet 100984, MedGen C2931355, MONDO:0008437, OMIM 182600.

gnomAD v4.1: 1 of 1,614,184 alleles (0.000062%); highest among the groups gnomAD compares: Non-Finnish European, 0.000085%; no homozygotes.

Submission:

Labcorp Genetics (formerly Invitae), Labcorp
Classification: Uncertain significance for Hereditary spastic paraplegia 3A. Last evaluated: 2022-11-29. Review status: criteria provided, single submitter. Criteria: Invitae Variant Classification Sherloc (09022015). Collection method: clinical testing. Allele origin: germline.
Comment: ClinVar contains an entry for this variant (Variation ID: 538576). In summary, the available evidence is currently insufficient to determine the role of this variant in disease. Therefore, it has been classified as a Variant of Uncertain Significance. Advanced modeling of protein sequence and biophysical properties (such as structural, functional, and spatial information, amino acid conservation, physicochemical variation, residue mobility, and thermodynamic stability) performed at Invitae indicates that this missense variant is not expected to disrupt ATL1 protein function. This variant has not been reported in the literature in individuals affected with ATL1-related conditions. This variant is not present in population databases (gnomAD no frequency). This sequence change replaces glutamic acid, which is acidic and polar, with glutamine, which is neutral and polar, at codon 397 of the ATL1 protein (p.Glu397Gln).